The following is an entry in ClinVar:

ClinVar aggregate classification (germline): Likely benign. Review status: criteria provided, multiple submitters, no conflicts (2 of 4 stars). 4 submissions from 4 submitters: Likely benign (3). 1 of the submissions does not count toward it. Last evaluated 2024-03-19.

Conditions:
Monilethrix. Also called: Beaded hair. Identifiers: Orphanet 573, MedGen C0546966, MONDO:0008009, HP:0032470.
KRT83-related disorder. Also called: KRT83-related condition.

Allele frequency attached by ClinVar (database versions not stated): ExAC 0.00002; TOPMed 0.00006.
gnomAD v4.1: 86 of 1,613,952 alleles (0.0053%); highest among the groups gnomAD compares: Non-Finnish European, 0.0069%; no homozygotes.

Submissions (4):

Blueprint Genetics
Classification: Likely benign. Last evaluated: 2024-03-19. Review status: criteria provided, single submitter. Criteria: ACMG Guidelines, 2015. Collection method: clinical testing. Allele origin: germline.

Labcorp Genetics (formerly Invitae), Labcorp
Classification: Likely benign. Last evaluated: 2023-09-15. Review status: criteria provided, single submitter. Criteria: Invitae Variant Classification Sherloc (09022015). Collection method: clinical testing. Allele origin: germline.

Illumina Laboratory Services, Illumina
Classification: Likely benign for Monilethrix-1. Last evaluated: 2018-01-13. Review status: criteria provided, single submitter. Criteria: ICSL Variant Classification Criteria 13 December 2019. Collection method: clinical testing. Allele origin: germline.
Comment: This variant was observed in the ICSL laboratory as part of a predisposition screen in an ostensibly healthy population. It had not been previously curated by ICSL or reported in the Human Gene Mutation Database (HGMD: prior to June 1st, 2018), and was therefore a candidate for classification through an automated scoring system. Utilizing variant allele frequency, disease prevalence and penetrance estimates, and inheritance mode, an automated score was calculated to assess if this variant is too frequent to cause the disease. Based on the score and internal cut-off values, a variant classified as likely benign is not then subjected to further curation. The score for this variant resulted in a classification of likely benign for this disease.

PreventionGenetics, part of Exact Sciences
Classification: Likely benign for KRT83-related condition. Last evaluated: 2024-05-14. Review status: no assertion criteria provided. Collection method: clinical testing. Allele origin: germline. Not counted in ClinVar's aggregate classification.
Comment: This variant is classified as likely benign based on ACMG/AMP sequence variant interpretation guidelines (Richards et al. 2015 PMID: 25741868, with internal and published modifications).

NM_002282.3(KRT83):c.957C>A (p.Thr319=)

Gene: KRT83 (keratin 83; minus strand). Cytogenetic location: 12q13.13.
Variant type: single nucleotide variant.
Coding change: c.957C>A on transcript NM_002282.3 (MANE Select); coding-DNA position 957, C replaced by A.
Protein change: p.Thr319=; no amino-acid change (threonine 319 retained).
Molecular consequence: synonymous variant.
Genome position (GRCh38, 1-based): chr12:52,316,552, G>T on the plus strand (C>A on the coding strand, the complement: KRT83 is on the minus strand). VCF-style: chr12-52316552-G-T. GRCh37 (hg19) VCF-style: chr12-52710336-G-T.
Identifiers: ClinVar variation 309512 (VCV000309512.11), dbSNP rs755719932, ClinGen allele CA6577453.